The following is an entry in ClinVar:

ClinVar aggregate classification (germline): Likely pathogenic (1 of 4 stars; one submission).

Conditions:
Rhizomelic chondrodysplasia punctata type 1 (RCDP1). Also called: PEROXISOME BIOGENESIS DISORDER 9; CHONDRODYSTROPHIA CALCIFICANS PUNCTATA; PEX7-Related Rhizomelic Chondrodysplasia Punctata. Identifiers: Orphanet 177, Orphanet 309789, MedGen C1859133, MONDO:0008972, OMIM 215100. Disease mechanism: loss of function.

Submission:

Myriad Genetics, Inc.
Classification: Likely pathogenic for Rhizomelic chondrodysplasia punctata type 1. Last evaluated: 2022-01-09. Review status: criteria provided, single submitter. Criteria: Myriad Women's Health Autosomal Recessive and X-Linked Classification Criteria (2021). Collection method: clinical testing. Allele origin: unknown.
Comment: NM_000288.3(PEX7):c.323_324delAA(K108Rfs*8) is expected to be pathogenic in the context of rhizomelic chondrodysplasia punctata type 1. This variant is predicted to lead to an abnormal or absent protein product due to the creation of a premature termination codon in PEX7, a gene where loss-of-function variants are known to be pathogenic. Please note: this variant was assessed in the context of healthy population screening.

NM_000288.4(PEX7):c.323_324del (p.Lys108fs)

Gene: PEX7 (peroxisomal biogenesis factor 7; plus strand). Cytogenetic location: 6q23.3.
Variant type: Deletion.
Coding change: c.323_324del on transcript NM_000288.4 (MANE Select); coding-DNA positions 323 to 324, 2 bases deleted (AA; older notation c.323_324delAA).
Protein change: p.Lys108fs; shifts the reading frame from lysine 108.
Molecular consequence: frameshift variant.
Genome position (GRCh38, 1-based): chr6:136,826,453-136,826,454, AA deleted; deleting any 2 consecutive bases within chr6:136,826,452-136,826,454 gives the same sequence; the c. name uses the placement nearest the transcript's 3' end. VCF-style (leftmost placement, unchanged base first): chr6-136826451-TAA-T. GRCh37 (hg19) VCF-style: chr6-137147589-TAA-T.
Other names: c.209_210delAA, p.Lys70Argfs (NM_001410945.1); short protein forms K108fs.
Identifiers: ClinVar variation 1723922 (VCV001723922.2), dbSNP rs2548072230, ClinGen allele CA2580075094.